The following is an entry in ClinVar:

NM_000179.3(MSH6):c.2033A>C (p.Glu678Ala)

Gene: MSH6 (mutS homolog 6; plus strand). Cytogenetic location: 2p16.3.
Variant type: single nucleotide variant.
Coding change: c.2033A>C on transcript NM_000179.3 (MANE Select); coding-DNA position 2033, A replaced by C.
Protein change: p.Glu678Ala; replaces glutamic acid 678 with alanine.
Molecular consequence: missense variant. On other transcripts: non-coding transcript variant (5), intron variant (2).
Genome position (GRCh38, 1-based): chr2:47,800,016, A>C. VCF-style: chr2-47800016-A-C. GRCh37 (hg19) VCF-style: chr2-48027155-A-C.
Other names: c.1643A>C, p.Glu548Ala (NM_001281492.2); c.1127A>C, p.Glu376Ala (NM_001281493.2, NM_001281494.2, NM_001406811.1 and 6 more transcripts); c.2129A>C, p.Glu710Ala (NM_001406795.1, NM_001406802.1); c.2033A>C, p.Glu678Ala (NM_001406796.1, NM_001406798.1, NM_001406800.1 and 3 more transcripts); c.1736A>C, p.Glu579Ala (NM_001406797.1, NM_001406801.1, NM_001406805.1 and 10 more transcripts); c.1508A>C, p.Glu503Ala (NM_001406799.1, NM_001406806.1, NM_001406807.1); c.1955A>C, p.Glu652Ala (NM_001406804.1); c.2039A>C, p.Glu680Ala (NM_001406813.1); and 3 more; short protein forms E622A, E680A, E710A, E503A, E376A, E548A, E678A, E579A.
Identifiers: ClinVar variation 4657805 (VCV004657805.1).

ClinVar aggregate classification (germline): Uncertain significance (1 of 4 stars; one submission).

Conditions:
Hereditary cancer-predisposing syndrome. Also called: Neoplastic Syndromes, Hereditary; Tumor predisposition; Hereditary Cancer Syndrome; Hereditary neoplastic syndrome. Identifiers: Orphanet 140162, MedGen C0027672, MeSH D009386, MONDO:0015356.

Submission:

Ambry Genetics
Classification: Uncertain significance for Hereditary cancer-predisposing syndrome. Last evaluated: 2025-10-21. Review status: criteria provided, single submitter. Criteria: Ambry Variant Classification Scheme 2023. Collection method: clinical testing. Allele origin: germline.
Comment: The p.E678A variant (also known as c.2033A>C), located in coding exon 4 of the MSH6 gene, results from an A to C substitution at nucleotide position 2033. The glutamic acid at codon 678 is replaced by alanine, an amino acid with dissimilar properties. This amino acid position is conserved. In addition, this alteration is predicted to be deleterious by in silico analysis. Based on the available evidence, the clinical significance of this variant remains unclear.